The following is an entry in ClinVar:

ClinVar aggregate classification (germline): Conflicting classifications of pathogenicity. Review status: criteria provided, conflicting classifications (1 of 4 stars). 7 submissions from 7 submitters: Uncertain significance (6); Benign (1). Last evaluated 2026-01-25.

Conditions:
Hereditary cancer-predisposing syndrome. Also called: Hereditary Cancer Syndrome; Neoplastic Syndromes, Hereditary; Tumor predisposition; Hereditary neoplastic syndrome. Identifiers: Orphanet 140162, MedGen C0027672, MeSH D009386, MONDO:0015356.
Hereditary nonpolyposis colorectal neoplasms. Identifiers: MedGen C0009405, MeSH D003123.

Allele frequency attached by ClinVar (database versions not stated): ExAC 0.00001; TOPMed 0.00001; gnomAD exomes 0.00002.

Submissions (7):

Labcorp Genetics (formerly Invitae), Labcorp
Classification: Benign for Hereditary nonpolyposis colorectal neoplasms. Last evaluated: 2026-01-25. Review status: criteria provided, single submitter. Criteria: Invitae Variant Classification Sherloc (09022015). Collection method: clinical testing. Allele origin: germline.

Women's Health and Genetics/Laboratory Corporation of America, LabCorp
Classification: Uncertain significance. Last evaluated: 2025-11-24. Review status: criteria provided, single submitter. Criteria: LabCorp Variant Classification Summary - May 2015. Collection method: clinical testing. Allele origin: germline.
Comment: Variant summary: PMS2 c.2367G>A (p.Met789Ile) results in a conservative amino acid change located in the MutL, C-terminal, dimerisation of the encoded protein sequence. Algorithms developed to predict the effect of missense changes on protein structure and function are either unavailable or do not agree on the potential impact of this missense change. The variant allele was found at a frequency of 1.2e-05 in 249824 control chromosomes. The available data on variant occurrences in the general population are insufficient to allow any conclusion about variant significance. c.2367G>A has been observed in an individual affected with cancer, without strong evidence for causality (example: Li_2020). This report does not provide unequivocal conclusions about association of the variant with Hereditary Nonpolyposis Colorectal Cancer. To our knowledge, no experimental evidence demonstrating an impact on protein function has been reported. The following publication has been ascertained in the context of this evaluation (PMID: 31391288). ClinVar contains an entry for this variant (Variation ID: 480330). Based on the evidence outlined above, the variant was classified as uncertain significance.

Quest Diagnostics Nichols Institute San Juan Capistrano
Classification: Uncertain significance. Last evaluated: 2025-08-01. Review status: criteria provided, single submitter. Criteria: Quest Diagnostics criteria. Collection method: clinical testing. Allele origin: unknown.
Comment: The PMS2 c.2367G>A (p.Met789Ile) variant has been reported in the published literature in an individual with unspecified cancer (PMID: 31391288 (2020)). The frequency of this variant in the general population (Genome Aggregation Database) is uninformative in the assessment of its pathogenicity. Analysis of this variant using bioinformatics tools for the prediction of the effect of amino acid changes on protein structure and function yielded conflicting predictions that this variant is benign or damaging. Based on the available information, we are unable to determine the clinical significance of this variant.

Ambry Genetics
Classification: Uncertain significance for Hereditary cancer-predisposing syndrome. Last evaluated: 2025-05-12. Review status: criteria provided, single submitter. Criteria: Ambry Variant Classification Scheme 2023. Collection method: clinical testing. Allele origin: germline.
Comment: The p.M789I variant (also known as c.2367G>A), located in coding exon 14 of the PMS2 gene, results from a G to A substitution at nucleotide position 2367. The methionine at codon 789 is replaced by isoleucine, an amino acid with highly similar properties. This amino acid position is well conserved in available vertebrate species. In addition, the in silico prediction for this alteration is inconclusive. Based on the available evidence, the clinical significance of this variant remains unclear.

GeneDx
Classification: Uncertain significance. Last evaluated: 2024-01-25. Review status: criteria provided, single submitter. Criteria: GeneDx Variant Classification Process June 2021. Collection method: clinical testing. Allele origin: germline. Affected: yes.
Comment: In silico analysis supports that this missense variant has a deleterious effect on protein structure/function; Observed in a patient with a Lynch-syndrome related cancer (PMID: 31391288); This variant is associated with the following publications: (PMID: 31391288, 22949387, Fukui2011[Chapter])

Genetic Services Laboratory, University of Chicago
Classification: Uncertain significance. Last evaluated: 2023-02-15. Review status: criteria provided, single submitter. Criteria: ACMG Guidelines, 2015. Collection method: clinical testing. Allele origin: germline. Affected: no.
Comment: DNA sequence analysis of the PMS2 gene demonstrated a sequence change, c.2367G>A, in exon 14 that results in an amino acid change, p.Met789Ile. This sequence change does not appear to have been previously described in individuals with PMS2-related disorders. This sequence change has been described in the gnomAD database with a frequency of 0.001% in the overall population (dbSNP rs766565506). The p.Met789Ile change affects a highly conserved amino acid residue located in a domain of the PMS2 protein that is known to be functional. In-silico pathogenicity prediction tools (SIFT, PolyPhen2, Align GVGD, REVEL) provide contradictory results for the p.Met789Ile substitution. Due to insufficient evidences and the lack of functional studies, the clinical significance of the p.Met789Ile change remains unknown at this time.

Color Diagnostics, LLC DBA Color Health
Classification: Uncertain significance for Hereditary cancer-predisposing syndrome. Last evaluated: 2022-11-21. Review status: criteria provided, single submitter. Criteria: ACMG Guidelines, 2015. Collection method: clinical testing. Allele origin: germline.
Comment: This missense variant replaces methionine with isoleucine at codon 789 of the PMS2 protein. Computational prediction suggests that this variant may not impact protein structure and function (internally defined REVEL score threshold <= 0.5, PMID: 27666373). To our knowledge, functional studies have not been reported for this variant. This variant has been reported in an individual with unspecified cancer (PMID: 31391288). This variant has not been identified in the general population by the Genome Aggregation Database (gnomAD). The available evidence is insufficient to determine the role of this variant in disease conclusively. Therefore, this variant is classified as a Variant of Uncertain Significance.

Literature cited by the submitters: PubMed 31391288 (cited by 3 submitters); PubMed 22949387 (cited by Ambry Genetics).

NM_000535.7(PMS2):c.2367G>A (p.Met789Ile)

Gene: PMS2 (PMS1 homolog 2, mismatch repair system component; minus strand). Cytogenetic location: 7p22.1.
Variant type: single nucleotide variant.
Coding change: c.2367G>A on transcript NM_000535.7 (MANE Select); coding-DNA position 2367, G replaced by A.
Protein change: p.Met789Ile; replaces methionine 789 with isoleucine.
Molecular consequence: missense variant. On other transcripts: non-coding transcript variant (1).
Genome position (GRCh38, 1-based): chr7:5,977,666, C>T on the plus strand (G>A on the coding strand, the complement: PMS2 is on the minus strand). VCF-style: chr7-5977666-C-T. GRCh37 (hg19) VCF-style: chr7-6017297-C-T.
Other names: c.1962G>A, p.Met654Ile (NM_001322003.2, NM_001322004.2, NM_001322005.2); c.2211G>A, p.Met737Ile (NM_001322006.2); c.2049G>A, p.Met683Ile (NM_001322007.2, NM_001322008.2); c.1995G>A, p.Met665Ile (NM_001322009.2); c.1806G>A, p.Met602Ile (NM_001322010.2); c.1434G>A, p.Met478Ile (NM_001322011.2, NM_001322012.2); c.1794G>A, p.Met598Ile (NM_001322013.2); c.2400G>A, p.Met800Ile (NM_001322014.2); and 1 more; short protein forms M789I, M800I, M478I, M602I, M654I, M598I, M665I, M683I.
Identifiers: ClinVar variation 480330 (VCV000480330.29), dbSNP rs766565506, ClinGen allele CA047893.
Genomic context (GRCh38, chr7:5,977,666, plus strand): 5'-GGAGGCAAACATCTGCTTGACTCGGGAAGGCCGGCACATGACCCCAGGGCTGTCGCTCAG[C>T]ATGAAGATCAGTTCATCGACGTCCTGGGGTCCGAAGGTCCAGTTTTTACTAGTTGGCAAG-3'
Protein context (NP_000526.2, residues 779-799): GPQDVDELIF[Met789Ile]LSDSPGVMCR